The following is an entry in ClinVar:

NM_001110556.2(FLNA):c.3872C>T (p.Pro1291Leu)

Gene: FLNA (filamin A; minus strand). Cytogenetic location: Xq28.
Variant type: single nucleotide variant.
Coding change: c.3872C>T on transcript NM_001110556.2 (MANE Select); coding-DNA position 3872, C replaced by T.
Protein change: p.Pro1291Leu; replaces proline 1291 with leucine.
Molecular consequence: missense variant.
Genome position (GRCh38, 1-based): chrX:154,359,839, G>A on the plus strand (C>T on the coding strand, the complement: FLNA is on the minus strand). VCF-style: chrX-154359839-G-A. GRCh37 (hg19) VCF-style: chrX-153588207-G-A.
Other names: c.3872C>T (NM_001110556.1); c.3872C>T, p.Pro1291Leu (NM_001456.4); short protein forms P1291L.
Identifiers: ClinVar variation 11774 (VCV000011774.46), dbSNP rs137853319, ClinGen allele CA121665.
Genomic context (GRCh38, chrX:154,359,839, plus strand): 5'-TCCTGAACGTAGGTCTCCGTCAGGTTGCCTGAGGGGTTGGCCACACGGGCCTTGACGTGC[G>A]GCCCTCCGGTCTGTGTCAGAGCCCGGGCGTCCACACTGAACTCAGTGGTGGCCTCACGGA-3'
Protein context (NP_001104026.1, residues 1281-1301): DARALTQTGG[Pro1291Leu]HVKARVANPS

ClinVar aggregate classification (germline): Benign/Likely benign. Review status: criteria provided, multiple submitters, no conflicts (2 of 4 stars). 11 submissions from 11 submitters: Benign (2); Likely benign (5). 4 of the submissions do not count toward it. Last evaluated 2026-03-01.

Conditions:
Frontometaphyseal dysplasia (FMD1). Identifiers: Orphanet 1826, MedGen C0265293, MONDO:0015942.
Heterotopia, periventricular, X-linked dominant (PVNH1). Also called: PERIVENTRICULAR NODULAR HETEROTOPIA 4; HETEROTOPIA, PERIVENTRICULAR, 1; PERIVENTRICULAR NODULAR HETEROTOPIA 1; X-linked periventricular heterotopia. Identifiers: Orphanet 2149, Orphanet 82004, MedGen C1848213, MONDO:0010233, OMIM 300049.
Oto-palato-digital syndrome, type II (OPD2). Also called: FACIOPALATOOSSEOUS SYNDROME; OPD II SYNDROME; Otopalatodigital Syndrome Type 2 (FLNA-OPD2); Otopalatodigital Syndrome, Type II. Identifiers: Orphanet 669, Orphanet 90652, MedGen C1844696, MONDO:0010571, OMIM 304120.
Melnick-Needles syndrome (MNS). Also called: MELNICK-NEEDLES OSTEODYSPLASTY; OSTEODYSPLASTY OF MELNICK AND NEEDLES; Melnick-Needles Syndrome (FLNA-MNS). Identifiers: Orphanet 2484, MedGen C0025237, MONDO:0010650, OMIM 309350.
FLNA-related disorder.
Familial thoracic aortic aneurysm and aortic dissection (TAAD). Also called: Thoracic aortic aneurysms and dissections. Identifiers: Orphanet 91387, MedGen C4707243, MONDO:0019625.
FG syndrome 2 (FGS2). Identifiers: MedGen C1845902, MONDO:0010297, OMIM 300321.

Allele frequency attached by ClinVar (database versions not stated): gnomAD exomes 0.00013 and 0.00027; TOPMed 0.00019; 1000 Genomes Project 30x 0.00021; ExAC 0.00023; gnomAD 0.00023 and 0.00026; 1000 Genomes Project 0.00026.
gnomAD v4.1: 174 of 1,209,459 alleles (0.014%); highest among the groups gnomAD compares: Middle Eastern, 0.18%; 2 homozygotes.

Submissions (11):

CeGaT Center for Human Genetics Tuebingen
Classification: Likely benign. Last evaluated: 2026-03-01. Review status: criteria provided, single submitter. Criteria: CeGaT Center For Human Genetics Tuebingen Variant Classification Criteria Version 2. Collection method: clinical testing. Allele origin: germline. Affected: yes. Observed: 4 variant alleles.
Comment: FLNA: BP4, BS2

Labcorp Genetics (formerly Invitae), Labcorp
Classification: Benign for Oto-palato-digital syndrome, type II; Heterotopia, periventricular, X-linked dominant; Frontometaphyseal dysplasia; Melnick-Needles syndrome. Last evaluated: 2026-01-26. Review status: criteria provided, single submitter. Criteria: Invitae Variant Classification Sherloc (09022015). Collection method: clinical testing. Allele origin: germline.

Women's Health and Genetics/Laboratory Corporation of America, LabCorp
Classification: Likely benign. Last evaluated: 2025-10-29. Review status: criteria provided, single submitter. Criteria: LabCorp Variant Classification Summary - May 2015. Collection method: clinical testing. Allele origin: germline.

Blueprint Genetics
Classification: Likely benign. Last evaluated: 2024-04-25. Review status: criteria provided, single submitter. Criteria: ACMG Guidelines, 2015. Collection method: clinical testing. Allele origin: germline.

GeneDx
Classification: Likely benign. Last evaluated: 2020-01-08. Review status: criteria provided, single submitter. Criteria: GeneDx Variant Classification Process June 2021. Collection method: clinical testing. Allele origin: germline. Affected: yes.
Comment: This variant is associated with the following publications: (PMID: 16299064, 28133863, 23873601, 25167861, 17632775, 23871722)

Ambry Genetics
Classification: Benign for Familial thoracic aortic aneurysm and aortic dissection. Last evaluated: 2017-12-11. Review status: criteria provided, single submitter. Criteria: Ambry Variant Classification Scheme 2023. Collection method: clinical testing. Allele origin: germline.

Breakthrough Genomics
Classification: Likely benign. Review status: criteria provided, single submitter. Criteria: ACMG Guidelines, 2015. Collection method: not provided. Allele origin: germline. Inheritance: X-linked inheritance. Affected: yes.

PreventionGenetics, part of Exact Sciences
Classification: Likely benign for FLNA-related condition. Last evaluated: 2022-02-12. Review status: no assertion criteria provided. Collection method: clinical testing. Allele origin: germline. Not counted in ClinVar's aggregate classification.
Comment: This variant is classified as likely benign based on ACMG/AMP sequence variant interpretation guidelines (Richards et al. 2015 PMID: 25741868, with internal and published modifications).

OMIM
Classification: Pathogenic for FG SYNDROME 2. Last evaluated: 2007-08-15. Review status: no assertion criteria provided. Collection method: literature only. Allele origin: germline. Not counted in ClinVar's aggregate classification.

Clinical Genetics DNA and cytogenetics Diagnostics Lab, Erasmus MC, Erasmus Medical Center
Classification: Likely benign. Review status: no assertion criteria provided. Collection method: clinical testing. Allele origin: germline. Affected: yes. Study: VKGL Data-share Consensus. Not counted in ClinVar's aggregate classification.

Genome Diagnostics Laboratory, University Medical Center Utrecht
Classification: Likely benign. Review status: no assertion criteria provided. Collection method: clinical testing. Allele origin: germline. Affected: yes. Study: VKGL Data-share Consensus. Not counted in ClinVar's aggregate classification.

Literature cited by the submitters: PubMed 17632775 (cited by Ambry Genetics and OMIM); PubMed 25167861 (cited by Ambry Genetics); PubMed 28133863 (cited by Ambry Genetics); PubMed 16299064 (cited by OMIM).